The following is an entry in ClinVar:

ClinVar aggregate classification (germline): Pathogenic (1 of 4 stars; one submission).

Conditions:
Ciliopathy. Also called: Ciliopathies. Identifiers: Orphanet 363250, MedGen C4277690, MONDO:0005308, MeSH D000072661.

Submission:

Myriad Genetics, Inc.
Classification: Pathogenic for Ciliopathy. Last evaluated: 2024-04-10. Review status: criteria provided, single submitter. Criteria: Myriad Autosomal Dominant, Autosomal Recessive and X-Linked Classification Criteria (2023). Collection method: clinical testing. Allele origin: unknown.
Comment: NM_017777.3(MKS1):c.945_947delAAAinsTG(N316Vfs*21) is expected to be pathogenic in the context of MKS1-related disorders. This variant is predicted to lead to an abnormal or absent protein product due to the creation of a premature termination codon in MKS1, a gene where loss-of-function variants are known to be pathogenic. Please note: this variant was assessed in the context of healthy population screening.

NM_017777.4(MKS1):c.945_947delinsTG (p.Asn316fs)

Gene: MKS1 (MKS transition zone complex subunit 1; minus strand). Cytogenetic location: 17q22.
Variant type: Indel.
Coding change: c.945_947delinsTG on transcript NM_017777.4 (MANE Select); coding-DNA positions 945 to 947, AAA replaced by TG.
Protein change: p.Asn316fs; shifts the reading frame from asparagine 316.
Molecular consequence: frameshift variant.
Genome position (GRCh38, 1-based): chr17:58,210,991-58,210,993, TTT replaced by CA on the plus strand (AAA replaced by TG on the coding strand, the reverse complement: MKS1 is on the minus strand). VCF-style: chr17-58210991-TTT-CA. GRCh37 (hg19) VCF-style: chr17-56288352-TTT-CA.
Other names: c.336_338delinsTG, p.Asn113fs (NM_001321268.2); c.945_947delinsTG, p.Asn316fs (NM_001321269.2, NM_001330397.2, NM_001411113.1); short protein forms N113fs, N316fs.
Identifiers: ClinVar variation 5012912 (VCV005012912.1).